The following is an entry in ClinVar:

ClinVar aggregate classification (germline): Likely benign. Review status: criteria provided, multiple submitters, no conflicts (2 of 4 stars). 2 submissions from 2 submitters: Likely benign (2). Last evaluated 2023-11-19.

Conditions:
Charcot-Marie-Tooth disease type 2. Also called: Charcot-Marie-Tooth type 2. Identifiers: Orphanet 64746, MedGen C0270914, MONDO:0018993.

Allele frequency attached by ClinVar (database versions not stated): gnomAD exomes below 0.00001.
gnomAD v4.1: 1 of 1,613,712 alleles (0.000062%); highest among the groups gnomAD compares: Non-Finnish European, 0.000085%; no homozygotes.

Submissions (2):

Labcorp Genetics (formerly Invitae), Labcorp
Classification: Likely benign for Charcot-Marie-Tooth disease type 2. Last evaluated: 2023-11-19. Review status: criteria provided, single submitter. Criteria: Invitae Variant Classification Sherloc (09022015). Collection method: clinical testing. Allele origin: germline.

GeneDx
Classification: Likely benign. Last evaluated: 2018-02-08. Review status: criteria provided, single submitter. Criteria: GeneDx Variant Classification (06012015). Collection method: clinical testing. Allele origin: germline. Affected: yes.
Comment: This variant is considered likely benign or benign based on one or more of the following criteria: it is a conservative change, it occurs at a poorly conserved position in the protein, it is predicted to be benign by multiple in silico algorithms, and/or has population frequency not consistent with disease.

NM_001605.3(AARS1):c.2712A>G (p.Gln904=)

Gene: AARS1 (alanyl-tRNA synthetase 1; minus strand). Cytogenetic location: 16q22.1.
Variant type: single nucleotide variant.
Coding change: c.2712A>G on transcript NM_001605.3 (MANE Select); coding-DNA position 2712, A replaced by G.
Protein change: p.Gln904=; no amino-acid change (glutamine 904 retained).
Molecular consequence: synonymous variant.
Genome position (GRCh38, 1-based): chr16:70,253,277, T>C on the plus strand (A>G on the coding strand, the complement: AARS1 is on the minus strand). VCF-style: chr16-70253277-T-C. GRCh37 (hg19) VCF-style: chr16-70287180-T-C.
Identifiers: ClinVar variation 515299 (VCV000515299.4), dbSNP rs1555539241, ClinGen allele CA496200344.